The following is an entry in ClinVar:

ClinVar aggregate classification (germline): Likely pathogenic (1 of 4 stars; one submission).

Allele frequency attached by ClinVar (database versions not stated): gnomAD exomes below 0.00001.

Submission:

GeneDx
Classification: Likely pathogenic. Last evaluated: 2017-06-09. Review status: criteria provided, single submitter. Criteria: GeneDx Variant Classification (06012015). Collection method: clinical testing. Allele origin: germline. Affected: yes.
Comment: The M1301I variant in the NALCN gene has not been reported previously as a pathogenic variant, nor as a benign variant, to our knowledge. The M1301I variant is not observed in large population cohorts (Lek et al., 2016; 1000 Genomes Consortium et al., 2015; Exome Variant Server). The M1301I variant is a conservative amino acid substitution, which is not likely to impact secondary protein structure as these residues share similar properties. This substitution occurs at a position that is conserved across species. In silico analysis is inconsistent in its predictions as to whether or not the variant is damaging to the protein structure/function. We interpret M1301I as a likely pathogenic variant.

NM_052867.4(NALCN):c.3903G>A (p.Met1301Ile)

Gene: NALCN (sodium leak channel, non-selective; minus strand). Cytogenetic location: 13q32.3.
Variant type: single nucleotide variant.
Coding change: c.3903G>A on transcript NM_052867.4 (MANE Select); coding-DNA position 3903, G replaced by A.
Protein change: p.Met1301Ile; replaces methionine 1301 with isoleucine.
Molecular consequence: missense variant.
Genome position (GRCh38, 1-based): chr13:101,075,924, C>T on the plus strand (G>A on the coding strand, the complement: NALCN is on the minus strand). VCF-style: chr13-101075924-C-T. GRCh37 (hg19) VCF-style: chr13-101728275-C-T.
Other names: c.3990G>A, p.Met1330Ile (NM_001350748.2); c.3903G>A, p.Met1301Ile (NM_001350749.2); c.3816G>A, p.Met1272Ile (NM_001350750.2, NM_001350751.2); short protein forms M1301I, M1272I, M1330I.
Identifiers: ClinVar variation 432623 (VCV000432623.2), dbSNP rs1555375944, ClinGen allele CA388649768.